The following is an entry in ClinVar:

ClinVar aggregate classification (germline): Uncertain significance (1 of 4 stars; one submission).

Allele frequency attached by ClinVar (database versions not stated): gnomAD exomes 0.00001; ExAC 0.00002; gnomAD 0.00003; TOPMed 0.00004.
gnomAD v4.1: 18 of 1,612,220 alleles (0.0011%); highest among the groups gnomAD compares: African/African-American, 0.0093%; no homozygotes.

Submission:

GeneDx
Classification: Uncertain significance. Last evaluated: 2023-04-06. Review status: criteria provided, single submitter. Criteria: GeneDx Variant Classification Process June 2021. Collection method: clinical testing. Allele origin: germline. Affected: yes.
Comment: In silico analysis supports that this missense variant has a deleterious effect on protein structure/function; Has not been previously published as pathogenic or benign to our knowledge

NM_001372.4(DNAH9):c.11006A>G (p.Asn3669Ser)

Gene: DNAH9 (dynein axonemal heavy chain 9; plus strand). Cytogenetic location: 17p12.
Variant type: single nucleotide variant.
Coding change: c.11006A>G on transcript NM_001372.4 (MANE Select); coding-DNA position 11006, A replaced by G.
Protein change: p.Asn3669Ser; replaces asparagine 3669 with serine.
Molecular consequence: missense variant. On other transcripts: 5 prime UTR variant (1).
Genome position (GRCh38, 1-based): chr17:11,886,859, A>G. VCF-style: chr17-11886859-A-G. GRCh37 (hg19) VCF-style: chr17-11790176-A-G.
Other names: c.-59A>G (NM_004662.2); short protein forms N3669S.
Identifiers: ClinVar variation 2662460 (VCV002662460.1), dbSNP rs748306293, ClinGen allele CA8397704.